The following is an entry in ClinVar:

ClinVar aggregate classification (germline): Uncertain significance (1 of 4 stars; one submission).

Conditions:
Multiple congenital exostosis (EXT). Also called: Multiple osteochondromas; Multiple exostoses; Hereditary multiple osteochondromas; Hereditary multiple exostoses; Hereditary multiple exostosis; MULTIPLE CARTILAGINOUS EXOSTOSES. Identifiers: Orphanet 321, MedGen C0015306, MONDO:0005508, HP:0002762.

gnomAD v4.1: 2 of 1,613,976 alleles (0.00012%); highest among the groups gnomAD compares: Admixed American, 0.0017%; no homozygotes.

Submission:

Labcorp Genetics (formerly Invitae), Labcorp
Classification: Uncertain significance for Multiple congenital exostosis. Last evaluated: 2024-08-12. Review status: criteria provided, single submitter. Criteria: Invitae Variant Classification Sherloc (09022015). Collection method: clinical testing. Allele origin: germline.
Comment: This sequence change replaces valine, which is neutral and non-polar, with phenylalanine, which is neutral and non-polar, at codon 379 of the EXT1 protein (p.Val379Phe). This variant is not present in population databases (gnomAD no frequency). This variant has not been reported in the literature in individuals affected with EXT1-related conditions. Advanced modeling of protein sequence and biophysical properties (such as structural, functional, and spatial information, amino acid conservation, physicochemical variation, residue mobility, and thermodynamic stability) has been performed at Invitae for this missense variant, however the output from this modeling did not meet the statistical confidence thresholds required to predict the impact of this variant on EXT1 protein function. In summary, the available evidence is currently insufficient to determine the role of this variant in disease. Therefore, it has been classified as a Variant of Uncertain Significance.

NM_000127.3(EXT1):c.1135G>T (p.Val379Phe)

Gene: EXT1 (exostosin glycosyltransferase 1; minus strand). Cytogenetic location: 8q24.11.
Variant type: single nucleotide variant.
Coding change: c.1135G>T on transcript NM_000127.3 (MANE Select); coding-DNA position 1135, G replaced by T.
Protein change: p.Val379Phe; replaces valine 379 with phenylalanine.
Molecular consequence: missense variant.
Genome position (GRCh38, 1-based): chr8:117,835,473, C>A on the plus strand (G>T on the coding strand, the complement: EXT1 is on the minus strand). VCF-style: chr8-117835473-C-A. GRCh37 (hg19) VCF-style: chr8-118847712-C-A.
Other names: short protein forms V379F.
Identifiers: ClinVar variation 3611777 (VCV003611777.2).